The following is an entry in ClinVar:

ClinVar aggregate classification (germline): Pathogenic/Likely pathogenic. Review status: criteria provided, multiple submitters, no conflicts (2 of 4 stars). 3 submissions from 3 submitters: Pathogenic (2); Likely pathogenic (1). Last evaluated 2026-01-15.

Conditions:
Hereditary cancer-predisposing syndrome. Also called: Neoplastic Syndromes, Hereditary; Tumor predisposition; Hereditary Cancer Syndrome; Hereditary neoplastic syndrome. Identifiers: Orphanet 140162, MedGen C0027672, MeSH D009386, MONDO:0015356.
Familial adenomatous polyposis 4 (FAP4). Also called: MSH3-related attenuated familial adenomatous polyposis. Identifiers: Orphanet 480536, MedGen C4310719, MONDO:0044300, OMIM 617100.

Submissions (3):

Dasa
Classification: Likely pathogenic. Last evaluated: 2026-01-15. Review status: criteria provided, single submitter. Criteria: DASA Assertion Criteria. Collection method: clinical testing. Allele origin: germline.
Comment: NM_002439.5(MSH3):c.1390G>T (p.Glu464*) introduces a premature termination codon predicted to result in loss of normal protein function. Loss-of-function is an established mechanism of disease for this gene. The variant is present at low frequency in population datasets. Based on the available data, this variant is classified as likely pathogenic.

Myriad Genetics, Inc.
Classification: Pathogenic for Familial adenomatous polyposis 4. Last evaluated: 2025-11-20. Review status: criteria provided, single submitter. Criteria: Myriad Autosomal Dominant, Autosomal Recessive and X-Linked Classification Criteria (2023). Collection method: clinical testing. Allele origin: unknown.
Comment: This variant is considered pathogenic. This variant creates a termination codon and is predicted to result in premature protein truncation.

Ambry Genetics
Classification: Pathogenic for Hereditary cancer-predisposing syndrome. Last evaluated: 2025-11-12. Review status: criteria provided, single submitter. Criteria: Ambry Variant Classification Scheme 2023. Collection method: clinical testing. Allele origin: germline.
Comment: The p.E464* pathogenic mutation (also known as c.1390G>T), located in coding exon 9 of the MSH3 gene, results from a G to T substitution at nucleotide position 1390. This changes the amino acid from a glutamic acid to a stop codon within coding exon 9. This variant is considered to be rare based on population cohorts in the Genome Aggregation Database (gnomAD). This alteration is expected to result in loss of function by premature protein truncation or nonsense-mediated mRNA decay. As such, this alteration is interpreted as a disease-causing mutation.

NM_002439.5(MSH3):c.1390G>T (p.Glu464Ter)

Gene: MSH3 (mutS homolog 3; plus strand). Cytogenetic location: 5q14.1.
Variant type: single nucleotide variant.
Coding change: c.1390G>T on transcript NM_002439.5 (MANE Select); coding-DNA position 1390, G replaced by T.
Protein change: p.Glu464Ter; replaces glutamic acid 464 with a stop codon.
Molecular consequence: nonsense.
Genome position (GRCh38, 1-based): chr5:80,725,502, G>T. VCF-style: chr5-80725502-G-T. GRCh37 (hg19) VCF-style: chr5-80021321-G-T.
Other names: short protein forms E464*.
Identifiers: ClinVar variation 4654734 (VCV004654734.3).